The following is an entry in ClinVar:

ClinVar aggregate classification (germline): Uncertain significance (1 of 4 stars; one submission).

gnomAD v4.1: 1 of 1,612,738 alleles (0.000062%); highest among the groups gnomAD compares: African/African-American, 0.0013%; no homozygotes.

Submission:

GeneDx
Classification: Uncertain significance. Last evaluated: 2024-07-09. Review status: criteria provided, single submitter. Criteria: GeneDx Variant Classification Process June 2021. Collection method: clinical testing. Allele origin: germline. Affected: yes.
Comment: Not observed at significant frequency in large population cohorts (gnomAD); In silico analysis indicates that this missense variant does not alter protein structure/function; Has not been previously published as pathogenic or benign to our knowledge

NM_004999.4(MYO6):c.3066G>C (p.Glu1022Asp)

Gene: MYO6 (myosin VI; plus strand). Cytogenetic location: 6q14.1.
Variant type: single nucleotide variant.
Coding change: c.3066G>C on transcript NM_004999.4 (MANE Select); coding-DNA position 3066, G replaced by C.
Protein change: p.Glu1022Asp; replaces glutamic acid 1022 with aspartic acid.
Molecular consequence: missense variant. On other transcripts: non-coding transcript variant (1).
Genome position (GRCh38, 1-based): chr6:75,892,649, G>C. VCF-style: chr6-75892649-G-C. GRCh37 (hg19) VCF-style: chr6-76602366-G-C.
Other names: c.3066G>C, p.Glu1022Asp (NM_001300899.2, NM_001368136.1, NM_001368137.1 and 2 more transcripts); c.3051G>C, p.Glu1017Asp (NM_001368138.1); short protein forms E1022D, E1017D.
Identifiers: ClinVar variation 3572585 (VCV003572585.1).